The following is an entry in ClinVar:

ClinVar aggregate classification (germline): Uncertain significance (1 of 4 stars; one submission).

Conditions:
Myofibrillar myopathy 6. Identifiers: Orphanet 199340, MedGen C2751831, MONDO:0013061, OMIM 612954.
Dilated cardiomyopathy 1HH (CMD1HH). Identifiers: Orphanet 154, MedGen C3151293, MONDO:0013479, OMIM 613881.

Allele frequency attached by ClinVar (database versions not stated): ExAC 0.00001; gnomAD exomes 0.00001 and 0.00002.
gnomAD v4.1: 4 of 1,614,022 alleles (0.00025%); highest among the groups gnomAD compares: Admixed American, 0.0067%; no homozygotes.

Submission:

Labcorp Genetics (formerly Invitae), Labcorp
Classification: Uncertain significance for Dilated cardiomyopathy 1HH; Myofibrillar myopathy 6. Last evaluated: 2025-03-26. Review status: criteria provided, single submitter. Criteria: Invitae Variant Classification Sherloc (09022015). Collection method: clinical testing. Allele origin: germline.
Comment: This sequence change replaces serine, which is neutral and polar, with glycine, which is neutral and non-polar, at codon 323 of the BAG3 protein (p.Ser323Gly). This variant is present in population databases (rs765875627, gnomAD 0.009%). This variant has not been reported in the literature in individuals affected with BAG3-related conditions. ClinVar contains an entry for this variant (Variation ID: 539160). Invitae Evidence Modeling of protein sequence and biophysical properties (such as structural, functional, and spatial information, amino acid conservation, physicochemical variation, residue mobility, and thermodynamic stability) indicates that this missense variant is not expected to disrupt BAG3 protein function with a negative predictive value of 80%. Algorithms developed to predict the effect of sequence changes on RNA splicing suggest that this variant may create or strengthen a splice site. In summary, the available evidence is currently insufficient to determine the role of this variant in disease. Therefore, it has been classified as a Variant of Uncertain Significance.

NM_004281.4(BAG3):c.967A>G (p.Ser323Gly)

Gene: BAG3 (BAG cochaperone 3; plus strand). Cytogenetic location: 10q26.11.
Variant type: single nucleotide variant.
Coding change: c.967A>G on transcript NM_004281.4 (MANE Select); coding-DNA position 967, A replaced by G.
Protein change: p.Ser323Gly; replaces serine 323 with glycine.
Molecular consequence: missense variant.
Genome position (GRCh38, 1-based): chr10:119,676,521, A>G. VCF-style: chr10-119676521-A-G. GRCh37 (hg19) VCF-style: chr10-121436033-A-G.
Other names: short protein forms S323G.
Identifiers: ClinVar variation 539160 (VCV000539160.8), dbSNP rs765875627, ClinGen allele CA5716455.